The following is an entry in ClinVar:

NM_002691.4(POLD1):c.575T>C (p.Leu192Pro)

Gene: POLD1 (DNA polymerase delta 1, catalytic subunit; plus strand). Cytogenetic location: 19q13.33.
Variant type: single nucleotide variant.
Coding change: c.575T>C on transcript NM_002691.4 (MANE Select); coding-DNA position 575, T replaced by C.
Protein change: p.Leu192Pro; replaces leucine 192 with proline.
Molecular consequence: missense variant. On other transcripts: non-coding transcript variant (1).
Genome position (GRCh38, 1-based): chr19:50,402,110, T>C. VCF-style: chr19-50402110-T-C. GRCh37 (hg19) VCF-style: chr19-50905367-T-C.
Other names: c.575T>C, p.Leu192Pro (NM_001256849.1, NM_001308632.1); c.575T>C (NM_002691.2); short protein forms L192P.
Identifiers: ClinVar variation 849929 (VCV000849929.12), dbSNP rs772804822, ClinGen allele CA9595799.

ClinVar aggregate classification (germline): Uncertain significance. Review status: criteria provided, multiple submitters, no conflicts (2 of 4 stars). 2 submissions from 2 submitters: Uncertain significance (2). Last evaluated 2026-02-12.

Conditions:
Hereditary cancer-predisposing syndrome. Also called: Tumor predisposition; Hereditary Cancer Syndrome; Hereditary neoplastic syndrome; Neoplastic Syndromes, Hereditary. Identifiers: Orphanet 140162, MedGen C0027672, MeSH D009386, MONDO:0015356.
POLD1-related polyposis and colorectal cancer syndrome (CRCS10). Also called: Colorectal cancer 10; COLORECTAL CANCER, SUSCEPTIBILITY TO, ON CHROMOSOME 19q; Colorectal cancer, susceptibility to, 10. Identifiers: Orphanet 220460, MedGen C2675481, MONDO:0012953, OMIM 612591.

Allele frequency attached by ClinVar (database versions not stated): TOPMed below 0.00001; ExAC 0.00001.
gnomAD v4.1: 1 of 1,612,772 alleles (0.000062%); highest among the groups gnomAD compares: South Asian, 0.0011%; no homozygotes.

Submissions (2):

Ambry Genetics
Classification: Uncertain significance for Hereditary cancer-predisposing syndrome. Last evaluated: 2026-02-12. Review status: criteria provided, single submitter. Criteria: Ambry Variant Classification Scheme 2023. Collection method: clinical testing. Allele origin: germline.
Comment: The p.L192P variant (also known as c.575T>C), located in coding exon 4 of the POLD1 gene, results from a T to C substitution at nucleotide position 575. The leucine at codon 192 is replaced by proline, an amino acid with similar properties. This amino acid position is not well conserved in available vertebrate species. In addition, this alteration is predicted to be tolerated by in silico analysis. Based on the available evidence, the clinical significance of this variant remains unclear.

Labcorp Genetics (formerly Invitae), Labcorp
Classification: Uncertain significance for POLD1-related polyposis and colorectal cancer syndrome. Last evaluated: 2025-09-23. Review status: criteria provided, single submitter. Criteria: Invitae Variant Classification Sherloc (09022015). Collection method: clinical testing. Allele origin: germline.
Comment: This sequence change replaces leucine, which is neutral and non-polar, with proline, which is neutral and non-polar, at codon 192 of the POLD1 protein (p.Leu192Pro). This variant is present in population databases (rs772804822, gnomAD 0.003%). This variant has not been reported in the literature in individuals affected with POLD1-related conditions. ClinVar contains an entry for this variant (Variation ID: 849929). Invitae Evidence Modeling of protein sequence and biophysical properties (such as structural, functional, and spatial information, amino acid conservation, physicochemical variation, residue mobility, and thermodynamic stability) indicates that this missense variant is not expected to disrupt POLD1 protein function with a negative predictive value of 80%. In summary, the available evidence is currently insufficient to determine the role of this variant in disease. Therefore, it has been classified as a Variant of Uncertain Significance.